The following is an entry in ClinVar:

NM_005726.6(TSFM):c.140A>G (p.Lys47Arg)

Gene: TSFM (Ts translation elongation factor, mitochondrial; plus strand). Cytogenetic location: 12q14.1.
Variant type: single nucleotide variant.
Coding change: c.140A>G on transcript NM_005726.6 (MANE Select); coding-DNA position 140, A replaced by G.
Protein change: p.Lys47Arg; replaces lysine 47 with arginine.
Molecular consequence: missense variant.
Genome position (GRCh38, 1-based): chr12:57,783,192, A>G. VCF-style: chr12-57783192-A-G. GRCh37 (hg19) VCF-style: chr12-58176975-A-G.
Other names: c.140A>G, p.Lys47Arg (NM_001172695.2, NM_001172696.2, NM_001172697.2); short protein forms K47R.
Identifiers: ClinVar variation 883315 (VCV000883315.6), dbSNP rs373659284, ClinGen allele CA6659228.

ClinVar aggregate classification (germline): Uncertain significance. Review status: criteria provided, multiple submitters, no conflicts (2 of 4 stars). 2 submissions from 2 submitters: Uncertain significance (2). Last evaluated 2022-07-19.

Conditions:
Fatal mitochondrial disease due to combined oxidative phosphorylation defect type 3. Also called: Combined oxidative phosphorylation deficiency 3; ENCEPHALOMYOPATHY, RESPIRATORY FAILURE, AND LACTIC ACIDOSIS. Identifiers: Orphanet 168566, MedGen C1864840, MONDO:0012512, OMIM 610505.

Allele frequency attached by ClinVar (database versions not stated): gnomAD exomes below 0.00001 and 0.00001; ExAC 0.00001; gnomAD 0.00004 and 0.00006; TOPMed 0.00005; ESP Exome Variant Server 0.00008.
gnomAD v4.1: 10 of 1,613,630 alleles (0.00062%); highest among the groups gnomAD compares: African/African-American, 0.012%; no homozygotes.

Submissions (2):

Labcorp Genetics (formerly Invitae), Labcorp
Classification: Uncertain significance. Last evaluated: 2022-07-19. Review status: criteria provided, single submitter. Criteria: Invitae Variant Classification Sherloc (09022015). Collection method: clinical testing. Allele origin: germline.
Comment: This sequence change replaces lysine, which is basic and polar, with arginine, which is basic and polar, at codon 47 of the TSFM protein (p.Lys47Arg). This variant is present in population databases (rs373659284, gnomAD 0.02%). This variant has not been reported in the literature in individuals affected with TSFM-related conditions. ClinVar contains an entry for this variant (Variation ID: 883315). Algorithms developed to predict the effect of missense changes on protein structure and function (SIFT, PolyPhen-2, Align-GVGD) all suggest that this variant is likely to be disruptive. Algorithms developed to predict the effect of sequence changes on RNA splicing suggest that this variant may create or strengthen a splice site. In summary, the available evidence is currently insufficient to determine the role of this variant in disease. Therefore, it has been classified as a Variant of Uncertain Significance.

Illumina Laboratory Services, Illumina
Classification: Uncertain significance for Fatal mitochondrial disease due to combined oxidative phosphorylation defect type 3. Last evaluated: 2018-01-12. Review status: criteria provided, single submitter. Criteria: ICSL Variant Classification Criteria 13 December 2019. Collection method: clinical testing. Allele origin: germline.